The following is an entry in ClinVar:

ClinVar aggregate classification (germline): Uncertain significance (1 of 4 stars; one submission).

Conditions:
Cardiovascular phenotype. Identifiers: MedGen CN230736.

Submission:

Ambry Genetics
Classification: Uncertain significance for Cardiovascular phenotype. Last evaluated: 2025-01-10. Review status: criteria provided, single submitter. Criteria: Ambry Variant Classification Scheme 2023. Collection method: clinical testing. Allele origin: germline.
Comment: The p.N164K variant (also known as c.492C>G), located in coding exon 10 of the TNNT2 gene, results from a C to G substitution at nucleotide position 492. The asparagine at codon 164 is replaced by lysine, an amino acid with similar properties. This variant was reported in individual(s) with features consistent with hypertrophic cardiomyopathy (HCM) (Nielsen SK et al. JACC Adv, 2023 Oct;2:100604). This amino acid position is not well conserved in available vertebrate species. In addition, this alteration is predicted to be tolerated by in silico analysis. Based on the available evidence, the clinical significance of this variant remains unclear.

Literature cited by the submitters: PubMed 38938358.

NM_001276345.2(TNNT2):c.522C>G (p.Asn174Lys)

Gene: TNNT2 (troponin T2, cardiac type; minus strand). Cytogenetic location: 1q32.1.
Variant type: single nucleotide variant.
Coding change: c.522C>G on transcript NM_001276345.2 (MANE Select); coding-DNA position 522, C replaced by G.
Protein change: p.Asn174Lys; replaces asparagine 174 with lysine.
Molecular consequence: missense variant.
Genome position (GRCh38, 1-based): chr1:201,363,374, G>C on the plus strand (C>G on the coding strand, the complement: TNNT2 is on the minus strand). VCF-style: chr1-201363374-G-C. GRCh37 (hg19) VCF-style: chr1-201332502-G-C.
Other names: c.522C>G, p.Asn174Lys (NM_000364.4, NM_001406723.1); c.492C>G, p.Asn164Lys (NM_001001430.3, NM_001001431.3, NM_001276347.2 and 3 more transcripts); c.477C>G, p.Asn159Lys (NM_001001432.3, NM_001406728.1); c.402C>G, p.Asn134Lys (NM_001276346.2); c.489C>G, p.Asn163Lys (NM_001406725.1); short protein forms N159K, N163K, N174K, N164K, N134K.
Identifiers: ClinVar variation 3809056 (VCV003809056.1).